The following is an entry in ClinVar:

ClinVar aggregate classification (germline): Uncertain significance (1 of 4 stars; one submission).

Allele frequency attached by ClinVar (database versions not stated): TOPMed below 0.00001.

Submission:

GeneDx
Classification: Uncertain significance. Last evaluated: 2022-11-22. Review status: criteria provided, single submitter. Criteria: GeneDx Variant Classification Process June 2021. Collection method: clinical testing. Allele origin: germline. Affected: yes.
Comment: Not observed at significant frequency in large population cohorts (gnomAD); In silico analysis supports that this missense variant has a deleterious effect on protein structure/function; Has not been previously published as pathogenic or benign to our knowledge

NM_004525.3(LRP2):c.6434A>G (p.Asn2145Ser)

Gene: LRP2 (LDL receptor related protein 2; minus strand). Cytogenetic location: 2q31.1.
Variant type: single nucleotide variant.
Coding change: c.6434A>G on transcript NM_004525.3 (MANE Select); coding-DNA position 6434, A replaced by G.
Protein change: p.Asn2145Ser; replaces asparagine 2145 with serine.
Molecular consequence: missense variant.
Genome position (GRCh38, 1-based): chr2:169,209,488, T>C on the plus strand (A>G on the coding strand, the complement: LRP2 is on the minus strand). VCF-style: chr2-169209488-T-C. GRCh37 (hg19) VCF-style: chr2-170065998-T-C.
Other names: short protein forms N2145S.
Identifiers: ClinVar variation 2503394 (VCV002503394.1), dbSNP rs1688518122, ClinGen allele CA349128763.